The following is an entry in ClinVar:

NM_000321.3(RB1):c.2502A>G (p.Ser834=)

Gene: RB1 (RB transcriptional corepressor 1; plus strand). Cytogenetic location: 13q14.2.
Variant type: single nucleotide variant.
Coding change: c.2502A>G on transcript NM_000321.3 (MANE Select); coding-DNA position 2502, A replaced by G.
Protein change: p.Ser834=; no amino-acid change (serine 834 retained).
Molecular consequence: synonymous variant.
Genome position (GRCh38, 1-based): chr13:48,473,372, A>G. VCF-style: chr13-48473372-A-G. GRCh37 (hg19) VCF-style: chr13-49047508-A-G.
Other names: c.2502A>G, p.Ser834= (NM_001407165.1).
Identifiers: ClinVar variation 1792265 (VCV001792265.7), dbSNP rs1949484214, ClinGen allele CA483559317.

ClinVar aggregate classification (germline): Conflicting classifications of pathogenicity. Review status: criteria provided, conflicting classifications (1 of 4 stars). 3 submissions from 3 submitters: Uncertain significance (1); Likely benign (2). Last evaluated 2025-09-22.

Conditions:
Hereditary cancer-predisposing syndrome. Also called: Hereditary Cancer Syndrome; Hereditary neoplastic syndrome; Tumor predisposition; Neoplastic Syndromes, Hereditary. Identifiers: Orphanet 140162, MedGen C0027672, MeSH D009386, MONDO:0015356.
Retinoblastoma (RB1). Also called: RETINOBLASTOMA, SOMATIC. Identifiers: Orphanet 790, MedGen C0035335, MeSH D012175, MONDO:0008380, OMIM 180200, HP:0009919. Disease mechanism: loss of function. Inheritance: Both sporadic and heritable forms are tested..

Allele frequency attached by ClinVar (database versions not stated): gnomAD exomes below 0.00001; TOPMed below 0.00001.
gnomAD v4.1: 1 of 1,569,610 alleles (0.000064%); highest among the groups gnomAD compares: Non-Finnish European, 0.000088%; no homozygotes.

Submissions (3):

Color Diagnostics, LLC DBA Color Health
Classification: Uncertain significance for Retinoblastoma. Last evaluated: 2025-09-22. Review status: criteria provided, single submitter. Criteria: ACMG Guidelines, 2015. Collection method: clinical testing. Allele origin: germline.
Comment: This variant is located in the RB1 protein. To our knowledge, functional studies have not been reported for this variant. This variant has not been reported in individuals affected with RB1-related disorders in the literature. This variant has not been identified in the general population by the Genome Aggregation Database (gnomAD). The available evidence is insufficient to determine the role of this variant in disease conclusively. Therefore, this variant is classified as a Variant of Uncertain Significance.

Labcorp Genetics (formerly Invitae), Labcorp
Classification: Likely benign for Retinoblastoma. Last evaluated: 2023-09-17. Review status: criteria provided, single submitter. Criteria: Invitae Variant Classification Sherloc (09022015). Collection method: clinical testing. Allele origin: germline.

Ambry Genetics
Classification: Likely benign for Hereditary cancer-predisposing syndrome. Last evaluated: 2021-10-05. Review status: criteria provided, single submitter. Criteria: Ambry Variant Classification Scheme 2023. Collection method: clinical testing. Allele origin: germline.